The following is an entry in ClinVar:

NM_000101.4(CYBA):c.73G>T (p.Gly25Cys)

Gene: CYBA (cytochrome b-245 alpha chain; minus strand). Cytogenetic location: 16q24.2.
Variant type: single nucleotide variant.
Coding change: c.73G>T on transcript NM_000101.4 (MANE Select); coding-DNA position 73, G replaced by T.
Protein change: p.Gly25Cys; replaces glycine 25 with cysteine.
Molecular consequence: missense variant.
Genome position (GRCh38, 1-based): chr16:88,648,100, C>A on the plus strand (G>T on the coding strand, the complement: CYBA is on the minus strand). VCF-style: chr16-88648100-C-A. GRCh37 (hg19) VCF-style: chr16-88714508-C-A.
Other names: short protein forms G25C.
Identifiers: ClinVar variation 4535896 (VCV004535896.1).
Genomic context (GRCh38, chr16:88,648,100, plus strand): 5'-GATACATGGAGTAGGCACCAAAGTACCACTGGGTGAAGCGCCCAGCTGTGGCCACGATGC[C>A]CCCGGTGATGAGGACTGCGGGGAGAAGTGGGTCAGGCACTGTGGGGCTCCCGTCCCGGGG-3'
Protein context (NP_000092.2, residues 15-35): LASGLILITG[Gly25Cys]IVATAGRFTQ

ClinVar aggregate classification (germline): Uncertain significance (1 of 4 stars; one submission).

Submission:

Women's Health and Genetics/Laboratory Corporation of America, LabCorp
Classification: Uncertain significance. Last evaluated: 2025-09-02. Review status: criteria provided, single submitter. Criteria: LabCorp Variant Classification Summary - May 2015. Collection method: clinical testing. Allele origin: germline.
Comment: Variant summary: CYBA c.73G>T (p.Gly25Cys) results in a non-conservative amino acid change in the encoded protein sequence. Algorithms developed to predict the effect of missense changes on protein structure and function all suggest that this variant is likely to be disruptive. The frequency data for this variant in gnomAD is considered unreliable, as metrics indicate poor data quality at this position. To our knowledge, no occurrence of c.73G>T in individuals affected with CYBA-related conditions and no experimental evidence demonstrating its impact on protein function have been reported. No submitters have cited clinical-significance assessments for this variant to ClinVar. Based on the evidence outlined above, the variant was classified as uncertain significance.